The following is an entry in ClinVar:

NM_032977.4(CASP10):c.1121T>A (p.Ile374Asn)

Gene: CASP10 (caspase 10; plus strand). Cytogenetic location: 2q33.1.
Variant type: single nucleotide variant.
Coding change: c.1121T>A on transcript NM_032977.4 (MANE Select); coding-DNA position 1121, T replaced by A.
Protein change: p.Ile374Asn; replaces isoleucine 374 with asparagine.
Molecular consequence: missense variant. On other transcripts: 3 prime UTR variant (1).
Genome position (GRCh38, 1-based): chr2:201,209,268, T>A. VCF-style: chr2-201209268-T-A. GRCh37 (hg19) VCF-style: chr2-202073991-T-A.
Other names: c.920T>A, p.Ile307Asn (NM_001206524.2); c.992T>A, p.Ile331Asn (NM_001206542.2, NM_001230.5); c.1121T>A, p.Ile374Asn (NM_032974.5); c.*207T>A (NM_032976.4); short protein forms I331N, I374N, I307N.
Identifiers: ClinVar variation 1390999 (VCV001390999.8), dbSNP rs2126047984, ClinGen allele CA350291445.

ClinVar aggregate classification (germline): Uncertain significance (1 of 4 stars; one submission).

Conditions:
Autoimmune lymphoproliferative syndrome type 2A (ALPS2A). Also called: AUTOIMMUNE LYMPHOPROLIFERATIVE SYNDROME, TYPE IIA; CASP10-Related Autoimmune Lymphoproliferative Syndrome; Autoimmune lymphoproliferative syndrome type 2. Identifiers: Orphanet 3261, MedGen C1858968, MONDO:0011383, OMIM 603909.

Submission:

Labcorp Genetics (formerly Invitae), Labcorp
Classification: Uncertain significance for Autoimmune lymphoproliferative syndrome type 2A. Last evaluated: 2020-11-18. Review status: criteria provided, single submitter. Criteria: Invitae Variant Classification Sherloc (09022015). Collection method: clinical testing. Allele origin: germline.
Comment: In summary, the available evidence is currently insufficient to determine the role of this variant in disease. Therefore, it has been classified as a Variant of Uncertain Significance. Algorithms developed to predict the effect of missense changes on protein structure and function (SIFT, PolyPhen-2, Align-GVGD) all suggest that this variant is likely to be disruptive, but these predictions have not been confirmed by published functional studies and their clinical significance is uncertain. This variant has not been reported in the literature in individuals with CASP10-related conditions. This variant is not present in population databases (ExAC no frequency). This sequence change replaces isoleucine with asparagine at codon 374 of the CASP10 protein (p.Ile374Asn). The isoleucine residue is highly conserved and there is a large physicochemical difference between isoleucine and asparagine.